The following is an entry in ClinVar:

ClinVar aggregate classification (germline): Uncertain significance (1 of 4 stars; one submission).

Conditions:
3-methylcrotonyl-CoA carboxylase 1 deficiency (MCC1D). Also called: MCC 1 deficiency; 3 Alpha methylcrotonylglycinuria 1; MCCD TYPE 1; METHYLCROTONYLGLYCINURIA TYPE I. Identifiers: Orphanet 6, MedGen CN028786, MONDO:0008861, OMIM 210200.

Submission:

Labcorp Genetics (formerly Invitae), Labcorp
Classification: Uncertain significance for 3-methylcrotonyl-CoA carboxylase 1 deficiency. Last evaluated: 2020-03-07. Review status: criteria provided, single submitter. Criteria: Invitae Variant Classification Sherloc (09022015). Collection method: clinical testing. Allele origin: germline.
Comment: In summary, the available evidence is currently insufficient to determine the role of this variant in disease. Therefore, it has been classified as a Variant of Uncertain Significance. Algorithms developed to predict the effect of sequence changes on RNA splicing suggest that this variant may disrupt the consensus splice site, but this prediction has not been confirmed by published transcriptional studies. Algorithms developed to predict the effect of missense changes on protein structure and function (SIFT, PolyPhen-2, Align-GVGD) all suggest that this variant is likely to be disruptive, but these predictions have not been confirmed by published functional studies and their clinical significance is uncertain. This variant has not been reported in the literature in individuals with MCCC1-related conditions. This variant is not present in population databases (ExAC no frequency). This sequence change replaces arginine with serine at codon 254 of the MCCC1 protein (p.Arg254Ser). The arginine residue is highly conserved and there is a moderate physicochemical difference between arginine and serine.

NM_020166.5(MCCC1):c.762G>C (p.Arg254Ser)

Gene: MCCC1 (methylcrotonyl-CoA carboxylase subunit 1; minus strand). Cytogenetic location: 3q27.1.
Variant type: single nucleotide variant.
Coding change: c.762G>C on transcript NM_020166.5 (MANE Select); coding-DNA position 762, G replaced by C.
Protein change: p.Arg254Ser; replaces arginine 254 with serine.
Molecular consequence: missense variant. On other transcripts: non-coding transcript variant (2).
Genome position (GRCh38, 1-based): chr3:183,057,422, C>G on the plus strand (G>C on the coding strand, the complement: MCCC1 is on the minus strand). VCF-style: chr3-183057422-C-G. GRCh37 (hg19) VCF-style: chr3-182775210-C-G.
Other names: c.411G>C, p.Arg137Ser (NM_001293273.2); c.435G>C, p.Arg145Ser (NM_001363880.1); short protein forms R137S, R145S, R254S.
Identifiers: ClinVar variation 1043922 (VCV001043922.8), dbSNP rs149389595, ClinGen allele CA355328033.